The following is an entry in ClinVar:

ClinVar aggregate classification (germline): Benign/Likely benign. Review status: criteria provided, multiple submitters, no conflicts (2 of 4 stars). 3 submissions from 3 submitters: Benign (1); Likely benign (2). Last evaluated 2026-05-01.

Allele frequency attached by ClinVar (database versions not stated): gnomAD exomes 0.00004; ExAC 0.00018; gnomAD 0.00031; TOPMed 0.00039; 1000 Genomes Project 0.00040; 1000 Genomes Project 30x 0.00047; ESP Exome Variant Server 0.00054.
gnomAD v4.1: 108 of 1,613,886 alleles (0.0067%); highest among the groups gnomAD compares: African/African-American, 0.13%; no homozygotes.

Submissions (3):

CeGaT Center for Human Genetics Tuebingen
Classification: Likely benign. Last evaluated: 2026-05-01. Review status: criteria provided, single submitter. Criteria: CeGaT Center For Human Genetics Tuebingen Variant Classification Criteria Version 2. Collection method: clinical testing. Allele origin: germline. Affected: yes. Observed: 1 variant allele.
Comment: MAST1: BP4, BP7, BS1

Labcorp Genetics (formerly Invitae), Labcorp
Classification: Benign. Last evaluated: 2025-03-31. Review status: criteria provided, single submitter. Criteria: Invitae Variant Classification Sherloc (09022015). Collection method: clinical testing. Allele origin: germline.

Blueprint Genetics
Classification: Likely benign. Last evaluated: 2024-10-04. Review status: criteria provided, single submitter. Criteria: ACMG Guidelines, 2015. Collection method: clinical testing. Allele origin: germline.

NM_014975.3(MAST1):c.3300G>A (p.Lys1100=)

Gene: MAST1 (microtubule associated serine/threonine kinase 1; plus strand). Cytogenetic location: 19p13.13.
Variant type: single nucleotide variant.
Coding change: c.3300G>A on transcript NM_014975.3 (MANE Select); coding-DNA position 3300, G replaced by A.
Protein change: p.Lys1100=; no amino-acid change (lysine 1100 retained).
Molecular consequence: synonymous variant.
Genome position (GRCh38, 1-based): chr19:12,873,360, G>A. VCF-style: chr19-12873360-G-A. GRCh37 (hg19) VCF-style: chr19-12984174-G-A.
Identifiers: ClinVar variation 2197672 (VCV002197672.7), dbSNP rs141860344, ClinGen allele CA9233387.